The following is an entry in ClinVar:

ClinVar aggregate classification (germline): Likely benign (1 of 4 stars; one submission).

Conditions:
PKD1-related disorder. Also called: PKD1-related condition.

gnomAD v4.1: 55 of 1,609,832 alleles (0.0034%); highest among the groups gnomAD compares: Admixed American, 0.0083%; no homozygotes.

Submission:

PreventionGenetics, part of Exact Sciences
Classification: Likely benign for PKD1-related condition. Last evaluated: 2026-03-03. Review status: criteria provided, single submitter. Criteria: ACMG Guidelines, 2015. Collection method: clinical testing. Allele origin: germline.
Comment: This variant is classified as likely benign based on ACMG/AMP sequence variant interpretation guidelines (Richards et al. 2015 PMID: 25741868, with internal and published modifications).

NM_001009944.3(PKD1):c.5193C>T (p.Ala1731=)

Gene: PKD1 (polycystin 1, transient receptor potential channel interacting; minus strand). Cytogenetic location: 16p13.3.
Variant type: single nucleotide variant.
Coding change: c.5193C>T on transcript NM_001009944.3 (MANE Select); coding-DNA position 5193, C replaced by T.
Protein change: p.Ala1731=; no amino-acid change (alanine 1731 retained).
Molecular consequence: synonymous variant.
Genome position (GRCh38, 1-based): chr16:2,109,974, G>A on the plus strand (C>T on the coding strand, the complement: PKD1 is on the minus strand). VCF-style: chr16-2109974-G-A. GRCh37 (hg19) VCF-style: chr16-2159975-G-A.
Other names: c.5193C>T, p.Ala1731= (NM_000296.4).
Identifiers: ClinVar variation 4980291 (VCV004980291.1).